The following is an entry in ClinVar:

ClinVar aggregate classification (germline): Uncertain significance. Review status: criteria provided, multiple submitters, no conflicts (2 of 4 stars). 2 submissions from 2 submitters: Uncertain significance (2). Last evaluated 2026-08-17.

Conditions:
Inborn genetic diseases. Identifiers: MedGen C0950123, MeSH D030342.
CHARGE syndrome (CHARGE). Also called: Hittner Hirsch Kreh syndrome; CHARGE ASSOCIATION--COLOBOMA, HEART ANOMALY, CHOANAL ATRESIA, RETARDATION, GENITAL AND EAR ANOMALIES; Coloboma, heart anomaly, choanal atresia, retardation, genital and ear anomalies; CHARGE association; Hall-Hittner syndrome. Identifiers: Orphanet 138, MedGen C0265354, MONDO:0008965.

Submissions (2):

Ambry Genetics
Classification: Uncertain significance for Inborn genetic diseases. Last evaluated: 2026-08-17. Review status: criteria provided, single submitter. Criteria: Ambry Variant Classification Scheme 2023. Collection method: clinical testing. Allele origin: germline.

Labcorp Genetics (formerly Invitae), Labcorp
Classification: Uncertain significance for CHARGE syndrome. Last evaluated: 2024-01-19. Review status: criteria provided, single submitter. Criteria: Invitae Variant Classification Sherloc (09022015). Collection method: clinical testing. Allele origin: germline.
Comment: This sequence change replaces lysine, which is basic and polar, with arginine, which is basic and polar, at codon 1805 of the CHD7 protein (p.Lys1805Arg). This variant is not present in population databases (gnomAD no frequency). This variant has not been reported in the literature in individuals affected with CHD7-related conditions. ClinVar contains an entry for this variant (Variation ID: 2145795). Advanced modeling of protein sequence and biophysical properties (such as structural, functional, and spatial information, amino acid conservation, physicochemical variation, residue mobility, and thermodynamic stability) performed at Invitae indicates that this missense variant is not expected to disrupt CHD7 protein function with a negative predictive value of 95%. In summary, the available evidence is currently insufficient to determine the role of this variant in disease. Therefore, it has been classified as a Variant of Uncertain Significance.

NM_017780.4(CHD7):c.5414A>G (p.Lys1805Arg)

Gene: CHD7 (chromodomain helicase DNA binding protein 7; plus strand). Cytogenetic location: 8q12.2.
Variant type: single nucleotide variant.
Coding change: c.5414A>G on transcript NM_017780.4 (MANE Select); coding-DNA position 5414, A replaced by G.
Protein change: p.Lys1805Arg; replaces lysine 1805 with arginine.
Molecular consequence: missense variant. On other transcripts: intron variant (1).
Genome position (GRCh38, 1-based): chr8:60,850,502, A>G. VCF-style: chr8-60850502-A-G. GRCh37 (hg19) VCF-style: chr8-61763061-A-G.
Other names: c.1717-11727A>G (NM_001316690.1); c.5414A>G (NM_017780.3); short protein forms K1805R.
Identifiers: ClinVar variation 2145795 (VCV002145795.5), dbSNP rs969094206, ClinGen allele CA177353143.
Genomic context (GRCh38, chr8:60,850,502, plus strand): 5'-GGCCTTTCTTTGTTTCTGTGTGTTTTCTGTGCACGGATGGGCACGGCACAGGCTATGAGA[A>G]GTACAACTCCATGCGAGCTGACCCCGCGCTGTGCTTTCTGGAACGAGTCGGTATGCCTGA-3'
Protein context (NP_060250.2, residues 1795-1815): LIGVFKHGYE[Lys1805Arg]YNSMRADPAL